The following is an entry in ClinVar:

ClinVar aggregate classification (germline): Pathogenic. Review status: criteria provided, single submitter (1 of 4 stars). 3 submissions from 3 submitters: Pathogenic (1). 2 of the submissions do not count toward it. Last evaluated 2021-01-14.

Conditions:
PRPH2-related disorder. Also called: PRPH2-related condition; PRPH2-related disorders. Identifiers: MedGen CN239395.

Submissions (3):

Labcorp Genetics (formerly Invitae), Labcorp
Classification: Pathogenic for PRPH2-related disorder. Last evaluated: 2021-01-14. Review status: criteria provided, single submitter. Criteria: Invitae Variant Classification Sherloc (09022015). Collection method: clinical testing. Allele origin: germline.
Comment: This sequence change creates a premature translational stop signal (p.Tyr285*) in the PRPH2 gene. While this is not anticipated to result in nonsense mediated decay, it is expected to disrupt the last 62 amino acid(s) of the PRPH2 protein. This variant is not present in population databases (ExAC no frequency). This variant has been observed in individual(s) with pattern dystrophy (PMID: 9279751). It has also been observed to segregate with disease in related individuals. ClinVar contains an entry for this variant (Variation ID: 98714). This variant disrupts the C-terminus of the PRPH2 protein. Other variant(s) that disrupt this region (p.Ser301Argfs*22) have been determined to be pathogenic (Invitae). This suggests that variants that disrupt this region of the protein are likely to be causative of disease. For these reasons, this variant has been classified as Pathogenic.

Leiden Open Variation Database
Classification: Likely pathogenic. Last evaluated: 2021-04-06. Review status: no assertion criteria provided. Collection method: curation. Allele origin: germline. Affected: yes. Not counted in ClinVar's aggregate classification.
Comment: Curator: Global Variome, with Curator vacancy. Submitter to LOVD: Manon Peeters.

Retina International
No classification provided. Review status: no classification provided. Collection method: not provided. Allele origin: not provided. Not counted in ClinVar's aggregate classification.

Literature cited by the submitters: PubMed 9279751 (cited by Labcorp Genetics (formerly Invitae), Labcorp and Leiden Open Variation Database).

NM_000322.5(PRPH2):c.855C>A (p.Tyr285Ter)

Gene: PRPH2 (peripherin 2; minus strand). Cytogenetic location: 6p21.1.
Variant type: single nucleotide variant.
Coding change: c.855C>A on transcript NM_000322.5 (MANE Select); coding-DNA position 855, C replaced by A.
Protein change: p.Tyr285Ter; replaces tyrosine 285 with a stop codon.
Molecular consequence: nonsense.
Genome position (GRCh38, 1-based): chr6:42,698,481, G>T on the plus strand (C>A on the coding strand, the complement: PRPH2 is on the minus strand). VCF-style: chr6-42698481-G-T. GRCh37 (hg19) VCF-style: chr6-42666219-G-T.
Other names: short protein forms Y285*.
Identifiers: ClinVar variation 98714 (VCV000098714.9), dbSNP rs62645938, ClinGen allele CA226320.